The following is an entry in ClinVar:

NM_000222.3(KIT):c.447G>C (p.Lys149Asn)

Gene: KIT (KIT proto-oncogene, receptor tyrosine kinase; plus strand). Cytogenetic location: 4q12.
Variant type: single nucleotide variant.
Coding change: c.447G>C on transcript NM_000222.3 (MANE Select); coding-DNA position 447, G replaced by C.
Protein change: p.Lys149Asn; replaces lysine 149 with asparagine.
Molecular consequence: missense variant.
Genome position (GRCh38, 1-based): chr4:54,698,393, G>C. VCF-style: chr4-54698393-G-C. GRCh37 (hg19) VCF-style: chr4-55564559-G-C.
Other names: c.447G>C, p.Lys149Asn (NM_001093772.2, NM_001385284.1, NM_001385285.1 and 4 more transcripts); short protein forms K149N.
Identifiers: ClinVar variation 3027151 (VCV003027151.22), dbSNP rs2109672869, ClinGen allele CA356897606.

ClinVar aggregate classification (germline): Uncertain significance (1 of 4 stars; one submission).

Submission:

CeGaT Center for Human Genetics Tuebingen
Classification: Uncertain significance. Last evaluated: 2024-02-01. Review status: criteria provided, single submitter. Criteria: CeGaT Center For Human Genetics Tuebingen Variant Classification Criteria Version 2. Collection method: clinical testing. Allele origin: germline. Affected: yes. Observed: 1 variant allele.
Comment: KIT: PM2, BP4